The following is an entry in ClinVar:

NM_020461.4(TUBGCP6):c.1251C>T (p.Pro417=)

Gene: TUBGCP6 (tubulin gamma complex component 6; minus strand). Cytogenetic location: 22q13.33.
Variant type: single nucleotide variant.
Coding change: c.1251C>T on transcript NM_020461.4 (MANE Select); coding-DNA position 1251, C replaced by T.
Protein change: p.Pro417=; no amino-acid change (proline 417 retained).
Molecular consequence: synonymous variant.
Genome position (GRCh38, 1-based): chr22:50,229,443, G>A on the plus strand (C>T on the coding strand, the complement: TUBGCP6 is on the minus strand). VCF-style: chr22-50229443-G-A. GRCh37 (hg19) VCF-style: chr22-50667872-G-A.
Identifiers: ClinVar variation 1118044 (VCV001118044.33), dbSNP rs200143449, ClinGen allele CA10308775.

ClinVar aggregate classification (germline): Likely benign. Review status: criteria provided, multiple submitters, no conflicts (2 of 4 stars). 3 submissions from 3 submitters: Likely benign (3). Last evaluated 2026-01-05.

Allele frequency attached by ClinVar (database versions not stated): 1000 Genomes Project 30x 0.00031; ESP Exome Variant Server 0.00031; 1000 Genomes Project 0.00040.

Submissions (3):

Labcorp Genetics (formerly Invitae), Labcorp
Classification: Likely benign. Last evaluated: 2026-01-05. Review status: criteria provided, single submitter. Criteria: Invitae Variant Classification Sherloc (09022015). Collection method: clinical testing. Allele origin: germline.

Blueprint Genetics
Classification: Likely benign. Last evaluated: 2024-09-05. Review status: criteria provided, single submitter. Criteria: ACMG Guidelines, 2015. Collection method: clinical testing. Allele origin: germline.

CeGaT Center for Human Genetics Tuebingen
Classification: Likely benign. Last evaluated: 2023-04-01. Review status: criteria provided, single submitter. Criteria: CeGaT Center For Human Genetics Tuebingen Variant Classification Criteria Version 2. Collection method: clinical testing. Allele origin: germline. Affected: yes. Observed: 1 variant allele.
Comment: TUBGCP6: BP4, BP7